The following is an entry in ClinVar:

ClinVar aggregate classification (germline): Likely benign. Review status: criteria provided, multiple submitters, no conflicts (2 of 4 stars). 2 submissions from 2 submitters: Likely benign (2). Last evaluated 2025-09-02.

Conditions:
Congenital contractural arachnodactyly (CCA). Also called: BEALS SYNDROME; Arthrogryposis, distal, type 9; Beals-Hecht syndrome. Identifiers: Orphanet 115, MedGen C0220668, MONDO:0007363, OMIM 121050.

Allele frequency attached by ClinVar (database versions not stated): TOPMed below 0.00001; ExAC 0.00001; gnomAD 0.00001; gnomAD exomes 0.00001; ESP Exome Variant Server 0.00008.
gnomAD v4.1: 22 of 1,592,520 alleles (0.0014%); highest among the groups gnomAD compares: Non-Finnish European, 0.0018%; no homozygotes.

Submissions (2):

Labcorp Genetics (formerly Invitae), Labcorp
Classification: Likely benign for Congenital contractural arachnodactyly. Last evaluated: 2025-09-02. Review status: criteria provided, single submitter. Criteria: Invitae Variant Classification Sherloc (09022015). Collection method: clinical testing. Allele origin: germline.

GeneDx
Classification: Likely benign. Last evaluated: 2017-10-03. Review status: criteria provided, single submitter. Criteria: GeneDx Variant Classification (06012015). Collection method: clinical testing. Allele origin: germline. Affected: yes.
Comment: This variant is considered likely benign or benign based on one or more of the following criteria: it is a conservative change, it occurs at a poorly conserved position in the protein, it is predicted to be benign by multiple in silico algorithms, and/or has population frequency not consistent with disease.

NM_001999.4(FBN2):c.7013-18T>C

Gene: FBN2 (fibrillin 2; minus strand). Cytogenetic location: 5q23.3.
Variant type: single nucleotide variant.
Coding change: c.7013-18T>C on transcript NM_001999.4 (MANE Select); 18 bases into the intron before coding-DNA position 7013, T replaced by C.
Molecular consequence: intron variant.
Genome position (GRCh38, 1-based): chr5:128,280,335, A>G on the plus strand (T>C on the coding strand, the complement: FBN2 is on the minus strand). VCF-style: chr5-128280335-A-G. GRCh37 (hg19) VCF-style: chr5-127616027-A-G.
Identifiers: ClinVar variation 512491 (VCV000512491.9), dbSNP rs375140877, ClinGen allele CA3394234.
Genomic context (GRCh38, chr5:128,280,335, plus strand): 5'-CCATTTTCACAGATTCCTGGCTTGGTCCTGCATTCATTTTCATCTTTAGAAAAACAAACA[A>G]TATGAATAATGAGAAAACTGTCAAATTATAGTTTACAAGCTATCTTCTAATGGGTTATAT-3'